The following is an entry in ClinVar:

NM_002471.4(MYH6):c.1225A>C (p.Asn409His)

Gene: MYH6 (myosin heavy chain 6; minus strand). Cytogenetic location: 14q11.2.
Variant type: single nucleotide variant.
Coding change: c.1225A>C on transcript NM_002471.4 (MANE Select); coding-DNA position 1225, A replaced by C.
Protein change: p.Asn409His; replaces asparagine 409 with histidine.
Molecular consequence: missense variant.
Genome position (GRCh38, 1-based): chr14:23,400,894, T>G on the plus strand (A>C on the coding strand, the complement: MYH6 is on the minus strand). VCF-style: chr14-23400894-T-G. GRCh37 (hg19) VCF-style: chr14-23870103-T-G.
Other names: short protein forms N409H.
Identifiers: ClinVar variation 1304049 (VCV001304049.5), dbSNP rs2138612545, ClinGen allele CA389024219.
Genomic context (GRCh38, chr14:23,400,894, plus strand): 5'-CCAGAGCCCCGATGGAGTAGTACACCTGCTGCACGCTCTGCCCCTTGGTGACATACTCGT[T>G]GCCCACTTTCACCCGAGGGTGGCACAGCCCCTTGAGCAGGTCAGCTGAGTTCAGCCCCAT-3'
Protein context (NP_002462.2, residues 399-419): GLCHPRVKVG[Asn409His]EYVTKGQSVQ

ClinVar aggregate classification (germline): Uncertain significance. Review status: criteria provided, multiple submitters, no conflicts (2 of 4 stars). 2 submissions from 2 submitters: Uncertain significance (2). Last evaluated 2024-10-29.

Conditions:
Cardiovascular phenotype. Identifiers: MedGen CN230736.

Submissions (2):

Ambry Genetics
Classification: Uncertain significance for Cardiovascular phenotype. Last evaluated: 2024-10-29. Review status: criteria provided, single submitter. Criteria: Ambry Variant Classification Scheme 2023. Collection method: clinical testing. Allele origin: germline.
Comment: The p.N409H variant (also known as c.1225A>C), located in coding exon 11 of the MYH6 gene, results from an A to C substitution at nucleotide position 1225. The asparagine at codon 409 is replaced by histidine, an amino acid with similar properties. This amino acid position is highly conserved in available vertebrate species. In addition, the in silico prediction for this alteration is inconclusive. Since supporting evidence is limited at this time, the clinical significance of this alteration remains unclear.

GeneDx
Classification: Uncertain significance. Last evaluated: 2019-11-15. Review status: criteria provided, single submitter. Criteria: GeneDx Variant Classification Process June 2021. Collection method: clinical testing. Allele origin: germline. Affected: yes.
Comment: Not observed in large population cohorts (Lek et al., 2016); In silico analysis, which includes protein predictors and evolutionary conservation, supports a deleterious effect; Has not been previously published as pathogenic or benign to our knowledge